The following is an entry in ClinVar:

ClinVar aggregate classification (germline): Uncertain significance. Review status: criteria provided, multiple submitters, no conflicts (2 of 4 stars). 3 submissions from 3 submitters: Uncertain significance (3). Last evaluated 2025-05-05.

Conditions:
Fanconi anemia complementation group J. Also called: BRIP1-Related Fanconi Anemia. Identifiers: Orphanet 84, MedGen C1836860, MONDO:0012187, OMIM 609054.
Familial cancer of breast. Also called: BREAST CANCER, FAMILIAL; hereditary breast carcinoma; Hereditary breast cancer. Identifiers: Orphanet 227535, MedGen C0346153, MONDO:0016419, OMIM 114480. Disease mechanism: loss of function.
Hereditary cancer-predisposing syndrome. Also called: Tumor predisposition; Hereditary neoplastic syndrome; Neoplastic Syndromes, Hereditary; Hereditary Cancer Syndrome. Identifiers: Orphanet 140162, MedGen C0027672, MeSH D009386, MONDO:0015356.

Allele frequency attached by ClinVar (database versions not stated): gnomAD exomes below 0.00001.
gnomAD v4.1: 1 of 1,613,720 alleles (0.000062%); highest among the groups gnomAD compares: South Asian, 0.0011%; no homozygotes.

Submissions (3):

Ambry Genetics
Classification: Uncertain significance for Hereditary cancer-predisposing syndrome. Last evaluated: 2025-05-05. Review status: criteria provided, single submitter. Criteria: Ambry Variant Classification Scheme 2023. Collection method: clinical testing. Allele origin: germline.
Comment: The p.G712D variant (also known as c.2135G>A), located in coding exon 14 of the BRIP1 gene, results from a G to A substitution at nucleotide position 2135. The glycine at codon 712 is replaced by aspartic acid, an amino acid with similar properties. This amino acid position is highly conserved in available vertebrate species. In addition, this alteration is predicted to be deleterious by in silico analysis. Since supporting evidence is limited at this time, the clinical significance of this alteration remains unclear.

Labcorp Genetics (formerly Invitae), Labcorp
Classification: Uncertain significance for Familial cancer of breast; Fanconi anemia complementation group J. Last evaluated: 2023-09-10. Review status: criteria provided, single submitter. Criteria: Invitae Variant Classification Sherloc (09022015). Collection method: clinical testing. Allele origin: germline.
Comment: This sequence change replaces glycine, which is neutral and non-polar, with aspartic acid, which is acidic and polar, at codon 712 of the BRIP1 protein (p.Gly712Asp). This variant is present in population databases (no rsID available, gnomAD 0.003%). This variant has not been reported in the literature in individuals affected with BRIP1-related conditions. ClinVar contains an entry for this variant (Variation ID: 926169). Advanced modeling of protein sequence and biophysical properties (such as structural, functional, and spatial information, amino acid conservation, physicochemical variation, residue mobility, and thermodynamic stability) performed at Invitae indicates that this missense variant is not expected to disrupt BRIP1 protein function. In summary, the available evidence is currently insufficient to determine the role of this variant in disease. Therefore, it has been classified as a Variant of Uncertain Significance.

Color Diagnostics, LLC DBA Color Health
Classification: Uncertain significance for Hereditary cancer-predisposing syndrome. Last evaluated: 2021-05-17. Review status: criteria provided, single submitter. Criteria: ACMG Guidelines, 2015. Collection method: clinical testing. Allele origin: germline.
Comment: This missense variant replaces glycine with aspartic acid at codon 712 of the BRIP1 protein. Computational prediction suggests that this variant may have deleterious impact on protein structure and function (internally defined REVEL score threshold >= 0.7, PMID: 27666373). To our knowledge, functional studies have not been reported for this variant. This variant has not been reported in individuals affected with hereditary cancer in the literature. This variant has been identified in 1/251182 chromosomes in the general population by the Genome Aggregation Database (gnomAD). The available evidence is insufficient to determine the role of this variant in disease conclusively. Therefore, this variant is classified as a Variant of Uncertain Significance.

NM_032043.3(BRIP1):c.2135G>A (p.Gly712Asp)

Gene: BRIP1 (BRCA1 interacting DNA helicase 1; minus strand). Cytogenetic location: 17q23.2.
Variant type: single nucleotide variant.
Coding change: c.2135G>A on transcript NM_032043.3 (MANE Select); coding-DNA position 2135, G replaced by A.
Protein change: p.Gly712Asp; replaces glycine 712 with aspartic acid.
Molecular consequence: missense variant.
Genome position (GRCh38, 1-based): chr17:61,744,554, C>T on the plus strand (G>A on the coding strand, the complement: BRIP1 is on the minus strand). VCF-style: chr17-61744554-C-T. GRCh37 (hg19) VCF-style: chr17-59821915-C-T.
Other names: short protein forms G712D.
Identifiers: ClinVar variation 926169 (VCV000926169.15), dbSNP rs1060501755, ClinGen allele CA400483241.